The following is an entry in ClinVar:

ClinVar aggregate classification (germline): Conflicting classifications of pathogenicity. Review status: criteria provided, conflicting classifications (1 of 4 stars). 2 submissions from 2 submitters: Uncertain significance (1); Likely benign (1). Last evaluated 2026-08-12.

Conditions:
NTRK2-related disorder. Also called: NTRK2-related condition.

Allele frequency attached by ClinVar (database versions not stated): gnomAD 0.00001; ExAC 0.00002; gnomAD exomes 0.00002; TOPMed 0.00002.
gnomAD v4.1: 31 of 1,613,166 alleles (0.0019%); highest among the groups gnomAD compares: South Asian, 0.024%; 1 homozygote.

Submissions (2):

PreventionGenetics, part of Exact Sciences
Classification: Likely benign for NTRK2-related condition. Last evaluated: 2026-08-12. Review status: criteria provided, single submitter. Criteria: ACMG Guidelines, 2015. Collection method: clinical testing. Allele origin: germline.
Comment: This variant is classified as likely benign based on ACMG/AMP sequence variant interpretation guidelines (Richards et al. 2015 PMID: 25741868, with internal and published modifications).

Labcorp Genetics (formerly Invitae), Labcorp
Classification: Uncertain significance. Last evaluated: 2024-12-12. Review status: criteria provided, single submitter. Criteria: Invitae Variant Classification Sherloc (09022015). Collection method: clinical testing. Allele origin: germline.
Comment: This sequence change replaces arginine, which is basic and polar, with glutamine, which is neutral and polar, at codon 428 of the NTRK2 protein (p.Arg428Gln). This variant is present in population databases (rs752393508, gnomAD 0.02%). This variant has not been reported in the literature in individuals affected with NTRK2-related conditions. ClinVar contains an entry for this variant (Variation ID: 1463330). Invitae Evidence Modeling of protein sequence and biophysical properties (such as structural, functional, and spatial information, amino acid conservation, physicochemical variation, residue mobility, and thermodynamic stability) indicates that this missense variant is expected to disrupt NTRK2 protein function with a positive predictive value of 95%. In summary, the available evidence is currently insufficient to determine the role of this variant in disease. Therefore, it has been classified as a Variant of Uncertain Significance.

NM_006180.6(NTRK2):c.1283G>A (p.Arg428Gln)

Gene: NTRK2 (neurotrophic receptor tyrosine kinase 2; plus strand). Cytogenetic location: 9q21.33.
Variant type: single nucleotide variant.
Coding change: c.1283G>A on transcript NM_006180.6 (MANE Select); coding-DNA position 1283, G replaced by A.
Protein change: p.Arg428Gln; replaces arginine 428 with glutamine.
Molecular consequence: missense variant.
Genome position (GRCh38, 1-based): chr9:84,745,060, G>A. VCF-style: chr9-84745060-G-A. GRCh37 (hg19) VCF-style: chr9-87359975-G-A.
Other names: c.1283G>A, p.Arg428Gln (NM_001007097.3, NM_001369543.1, NM_001369544.1 and 15 more transcripts); c.1283G>A (NM_006180.4); c.1244G>A, p.Arg415Gln (NM_001369546.1, NM_001291937.2); c.815G>A, p.Arg272Gln (NM_001369550.1, NM_001369551.1, NM_001369552.1 and 2 more transcripts); c.1247G>A, p.Arg416Gln (NM_001369534.1); short protein forms R416Q, R428Q, R272Q, R415Q.
Identifiers: ClinVar variation 1463330 (VCV001463330.8), dbSNP rs752393508, ClinGen allele CA5105692.